The following is an entry in ClinVar:

ClinVar aggregate classification (germline): Pathogenic (1 of 4 stars; one submission).

Submission:

Labcorp Genetics (formerly Invitae), Labcorp
Classification: Pathogenic. Last evaluated: 2025-04-07. Review status: criteria provided, single submitter. Criteria: Invitae Variant Classification Sherloc (09022015). Collection method: clinical testing. Allele origin: germline.
Comment: This sequence change creates a premature translational stop signal (p.Glu529Argfs*27) in the TTLL5 gene. It is expected to result in an absent or disrupted protein product. Loss-of-function variants in TTLL5 are known to be pathogenic (PMID: 24791901, 27162334). This variant is not present in population databases (gnomAD no frequency). This variant has not been reported in the literature in individuals affected with TTLL5-related conditions. For these reasons, this variant has been classified as Pathogenic.

Literature cited by the submitters: PubMed 24791901; PubMed 27162334.

NM_015072.5(TTLL5):c.1584dup (p.Glu529fs)

Gene: TTLL5 (tubulin tyrosine ligase like 5; plus strand). Cytogenetic location: 14q24.3.
Variant type: Duplication.
Coding change: c.1584dup on transcript NM_015072.5 (MANE Select); coding-DNA position 1584, one base duplicated (A; older notation c.1584dupA).
Protein change: p.Glu529fs; shifts the reading frame from glutamic acid 529.
Molecular consequence: frameshift variant.
Genome position (GRCh38, 1-based): chr14:75,764,648, A duplicated. VCF-style (leftmost placement, unchanged base first): chr14-75764647-T-TA. GRCh37 (hg19) VCF-style: chr14-76230990-T-TA.
Other names: short protein forms E529fs.
Identifiers: ClinVar variation 4745758 (VCV004745758.1).